The following is an entry in ClinVar:

ClinVar aggregate classification (germline): Pathogenic (0 of 4 stars; one submission).

Submission:

Diagnostics Centre, Carl Von Ossietzky University Oldenburg
Classification: Pathogenic. Last evaluated: 2025-11-10. Review status: no assertion criteria provided. Collection method: clinical testing. Allele origin: germline. Affected: yes. Observed: 1 variant allele.
Comment: The present alteration is a heterozygous deletion of approximately 1.2 Mb in the 16p13.11 region. The exact breakpoints cannot be determined; however, 16 genes are encoded within the affected region. For causative deletions in the region affected here, the clinical picture of 16p13.11 microdeletion syndrome has been described. This is a very rare syndromic disorder, which can include global developmental delay (particularly affecting speech and motor skills), epilepsy, hypotonia, short stature, behavioral abnormalities of variable severity (especially autism spectrum disorders), and microcephaly with facial features (including brachycephaly, hypertelorism, down-slanting palpebral fissures, epicanthus, a short nose, low-set ears, a cleft palate, as well as a wide mouth with a thin upper lip). Variable additional symptoms, including syndactyly, malformations of the genital organs (micropenis, hypospadias), obesity, joint hypermobility, congenital heart defects, as well as abnormalities of the sensory organs, have been described.Variable expressivity and incomplete penetrance of 16p13.11 microdeletion syndrome have been documented. In several cases, inheritance from asymptomatic parents has been reported. For some of the genes located within the deletion, individual disease associations are known. These include generalized arterial calcification and pseudoxanthoma elasticum (ABCC6, recessive), visceral myopathy (MYH11, dominant), megacystis-microcolon-intestinal hypoperistalsis syndrome (MYH11, recessive), lissencephaly or microhydranencephaly (NDE1, recessive), as well as deafness autosomal dominant type 77 (ABCC1, dominant). In summary, this variant is classified as Pathogenic.

GRCh38/hg38 16p13.11(chr16:15030409-16535607)x1

Genes: MIR3180-4 (microRNA 3180-4), MIR3670-2 (microRNA 3670-2; plus strand), MIR484 (microRNA 484; plus strand), MIR6506 (microRNA 6506; minus strand), MIR6511A2 (microRNA 6511a-2; plus strand) and 40 more. Cytogenetic location: 16p13.11.
Variant type: copy number loss.
Change: copy number 1 (one copy instead of two) of chr16:15,030,409-16,535,607 (1.51 Mb, GRCh38 coordinates, 1-based), cytogenetic band 16p13.11.
Identifiers: ClinVar variation 4886799 (VCV004886799.1).